The following is an entry in ClinVar:

NM_001201550.3(CFHR4):c.1045G>A (p.Glu349Lys)

Gene: CFHR4 (complement factor H related 4; plus strand). Cytogenetic location: 1q31.3.
Variant type: single nucleotide variant.
Coding change: c.1045G>A on transcript NM_001201550.3 (MANE Select); coding-DNA position 1045, G replaced by A.
Protein change: p.Glu349Lys; replaces glutamic acid 349 with lysine.
Molecular consequence: missense variant.
Genome position (GRCh38, 1-based): chr1:196,912,787, G>A. VCF-style: chr1-196912787-G-A. GRCh37 (hg19) VCF-style: chr1-196881917-G-A.
Other names: p.Glu348Lys; c.1042G>A, p.Glu348Lys (NM_001201551.2); c.304G>A, p.Glu102Lys (NM_006684.5); short protein forms E102K, E348K, E349K.
Identifiers: ClinVar variation 4683991 (VCV004683991.4).
Genomic context (GRCh38, chr1:196,912,787, plus strand): 5'-TTTTCTATTTTAGGAACATGCTCAAAATCAGATATAGAAATTGAAAATGGATTCATTTCT[G>A]AATCTTCCTCTATTTATATTTTAAATAAAGAAATACAATATAAATGTAAACCAGGATATG-3'
Protein context (NP_001188479.1, residues 339-359): DIEIENGFIS[Glu349Lys]SSSIYILNKE

ClinVar aggregate classification (germline): Benign/Likely benign. Review status: criteria provided, multiple submitters, no conflicts (2 of 4 stars). 3 submissions from 3 submitters: Benign (1); Likely benign (2). Last evaluated 2026-05-01.

gnomAD v4.1: 914 of 1,598,694 alleles (0.057%); highest among the groups gnomAD compares: African/African-American, 1.1%; 19 homozygotes.

Submissions (3):

CeGaT Center for Human Genetics Tuebingen
Classification: Benign. Last evaluated: 2026-05-01. Review status: criteria provided, single submitter. Criteria: CeGaT Center For Human Genetics Tuebingen Variant Classification Criteria Version 2. Collection method: clinical testing. Allele origin: germline. Affected: yes. Observed: 1 variant allele.
Comment: CFHR4: BP4, BS1, BS2

Women's Health and Genetics/Laboratory Corporation of America, LabCorp
Classification: Likely benign. Last evaluated: 2026-01-28. Review status: criteria provided, single submitter. Criteria: LabCorp Variant Classification Summary - May 2015. Collection method: clinical testing. Allele origin: germline.
Comment: Variant summary: CFHR4 c.1045G>A (p.Glu349Lys) results in a conservative amino acid change in the encoded protein sequence. Algorithms developed to predict the effect of missense changes on protein structure and function all suggest that this variant is likely to be tolerated. The variant allele was found at a frequency of 0.00082 in 241386 control chromosomes, predominantly at a frequency of 0.011 within the African or African-American subpopulation in the gnomAD database, including 2 homozygotes. The observed variant frequency within African or African-American control individuals in the gnomAD database exceeds the estimated maximal expected allele frequency for disease-causing variants in CFHR4. To our knowledge, no occurrence of c.1045G>A in individuals affected with CFHR4-related conditions and no experimental evidence demonstrating its impact on protein function have been reported. The following publication has been ascertained in the context of this evaluation (PMID: 29686068). ClinVar contains an entry for this variant (Variation ID: 4683991). Based on the evidence outlined above, the variant was classified as likely benign.

Mayo Clinic Laboratories, Mayo Clinic
Classification: Likely benign. Last evaluated: 2025-11-19. Review status: criteria provided, single submitter. Criteria: ACMG Guidelines, 2015. Collection method: clinical testing. Allele origin: germline. Observed: 11 variant alleles.
Comment: BS1, BP1, BP4

Literature cited by the submitters: PubMed 29686068 (cited by Women's Health and Genetics/Laboratory Corporation of America, LabCorp).